The following is an entry in ClinVar:

ClinVar aggregate classification (germline): Likely benign (1 of 4 stars; one submission).

Allele frequency attached by ClinVar (database versions not stated): 1000 Genomes Project 0.00040; ExAC 0.00040; 1000 Genomes Project 30x 0.00062; gnomAD 0.00132; ESP Exome Variant Server 0.00185.
gnomAD v4.1: 405 of 1,613,790 alleles (0.025%); highest among the groups gnomAD compares: African/African-American, 0.44%; no homozygotes.

Submission:

CeGaT Center for Human Genetics Tuebingen
Classification: Likely benign. Last evaluated: 2022-04-01. Review status: criteria provided, single submitter. Criteria: CeGaT Center For Human Genetics Tuebingen Variant Classification Criteria Version 2. Collection method: clinical testing. Allele origin: germline. Affected: yes. Observed: 1 variant allele.
Comment: CDH17: BP4

NM_004063.4(CDH17):c.821T>C (p.Val274Ala)

Gene: CDH17 (cadherin 17; minus strand). Cytogenetic location: 8q22.1.
Variant type: single nucleotide variant.
Coding change: c.821T>C on transcript NM_004063.4 (MANE Select); coding-DNA position 821, T replaced by C.
Protein change: p.Val274Ala; replaces valine 274 with alanine.
Molecular consequence: missense variant. On other transcripts: 5 prime UTR variant (1), non-coding transcript variant (1), intron variant (1).
Genome position (GRCh38, 1-based): chr8:94,170,948, A>G on the plus strand (T>C on the coding strand, the complement: CDH17 is on the minus strand). VCF-style: chr8-94170948-A-G. GRCh37 (hg19) VCF-style: chr8-95183176-A-G.
Other names: c.821T>C, p.Val274Ala (NM_001144663.2, NM_001413951.1, NM_001413952.1 and 4 more transcripts); c.722T>C, p.Val241Ala (NM_001413954.1); c.662T>C, p.Val221Ala (NM_001413957.1); c.95T>C, p.Val32Ala (NM_001413960.1); c.-347T>C (NM_001413961.1); c.784-401T>C (NM_001413956.1); short protein forms V32A, V221A, V241A, V274A.
Identifiers: ClinVar variation 2658692 (VCV002658692.24), dbSNP rs143655105, ClinGen allele CA4809422.
Genomic context (GRCh38, chr8:94,170,948, plus strand): 5'-ACGTAAATATCTCCTTCCTGGTCAATTGAAAATGGGAATCTTGGCAGCTTCTCTTTGTCA[A>G]CTAAGGAATATTGTGCACCGGGATCATTCCACCGCACCTACAGGGCCCAAAGTCAGTTGT-3'
Protein context (NP_004054.3, residues 264-284): WNDPGAQYSL[Val274Ala]DKEKLPRFPF